The following is an entry in ClinVar:

ClinVar aggregate classification (germline): Conflicting classifications of pathogenicity. Review status: criteria provided, conflicting classifications (1 of 4 stars). 2 submissions from 2 submitters: Likely pathogenic (1); Uncertain significance (1). Last evaluated 2024-07-25.

Conditions:
Focal dermal hypoplasia (FDH). Also called: Goltz syndrome. Identifiers: Orphanet 2092, MedGen C0016395, MONDO:0010592, OMIM 305600.

Submissions (2):

Labcorp Genetics (formerly Invitae), Labcorp
Classification: Uncertain significance. Last evaluated: 2024-07-25. Review status: criteria provided, single submitter. Criteria: Invitae Variant Classification Sherloc (09022015). Collection method: clinical testing. Allele origin: germline.
Comment: This sequence change replaces tyrosine, which is neutral and polar, with cysteine, which is neutral and slightly polar, at codon 334 of the PORCN protein (p.Tyr334Cys). This variant is not present in population databases (gnomAD no frequency). This variant has not been reported in the literature in individuals affected with PORCN-related conditions. ClinVar contains an entry for this variant (Variation ID: 996151). Advanced modeling of protein sequence and biophysical properties (such as structural, functional, and spatial information, amino acid conservation, physicochemical variation, residue mobility, and thermodynamic stability) performed at Invitae indicates that this missense variant is expected to disrupt PORCN protein function with a positive predictive value of 80%. In summary, the available evidence is currently insufficient to determine the role of this variant in disease. Therefore, it has been classified as a Variant of Uncertain Significance.

Greenwood Genetic Center Diagnostic Laboratories, Greenwood Genetic Center
Classification: Likely pathogenic for Focal dermal hypoplasia. Last evaluated: 2020-07-02. Review status: criteria provided, single submitter. Criteria: ACMG Guidelines, 2015. Collection method: clinical testing. Allele origin: unknown. Affected: yes. Observed: 1 variant allele, 1 heterozygote.
Comment: PP3, PM2, PM1, PS3_Moderate

NM_203475.3(PORCN):c.1001A>G (p.Tyr334Cys)

Gene: PORCN (porcupine O-acyltransferase; plus strand). Cytogenetic location: Xp11.23.
Variant type: single nucleotide variant.
Coding change: c.1001A>G on transcript NM_203475.3 (MANE Select); coding-DNA position 1001, A replaced by G.
Protein change: p.Tyr334Cys; replaces tyrosine 334 with cysteine.
Molecular consequence: missense variant.
Genome position (GRCh38, 1-based): chrX:48,515,771, A>G. VCF-style: chrX-48515771-A-G. GRCh37 (hg19) VCF-style: chrX-48374159-A-G.
Other names: c.755A>G, p.Tyr252Cys (NM_001282167.2); c.968A>G, p.Tyr323Cys (NM_022825.4); c.986A>G, p.Tyr329Cys (NM_203473.3); c.983A>G, p.Tyr328Cys (NM_203474.1); short protein forms Y252C, Y323C, Y328C, Y329C, Y334C.
Identifiers: ClinVar variation 996151 (VCV000996151.5), dbSNP rs2061711638, ClinGen allele CA412848495.